The following is an entry in ClinVar:

NM_022765.4(MICAL1):c.1081G>T (p.Val361Phe)

Gene: MICAL1 (microtubule associated monooxygenase, calponin and LIM domain containing 1; minus strand). Cytogenetic location: 6q21.
Variant type: single nucleotide variant.
Coding change: c.1081G>T on transcript NM_022765.4 (MANE Select); coding-DNA position 1081, G replaced by T.
Protein change: p.Val361Phe; replaces valine 361 with phenylalanine.
Molecular consequence: missense variant. On other transcripts: intron variant (1).
Genome position (GRCh38, 1-based): chr6:109,450,410, C>A on the plus strand (G>T on the coding strand, the complement: MICAL1 is on the minus strand). VCF-style: chr6-109450410-C-A. GRCh37 (hg19) VCF-style: chr6-109771613-C-A.
Other names: c.1138G>T, p.Val380Phe (NM_001286613.2); c.934-325G>T (NM_001159291.2); short protein forms V380F, V361F.
Identifiers: ClinVar variation 3643396 (VCV003643396.2).

ClinVar aggregate classification (germline): Uncertain significance (1 of 4 stars; one submission).

Submission:

Labcorp Genetics (formerly Invitae), Labcorp
Classification: Uncertain significance. Last evaluated: 2024-03-03. Review status: criteria provided, single submitter. Criteria: Invitae Variant Classification Sherloc (09022015). Collection method: clinical testing. Allele origin: germline.
Comment: This sequence change replaces valine, which is neutral and non-polar, with phenylalanine, which is neutral and non-polar, at codon 380 of the MICAL1 protein (p.Val380Phe). This variant is not present in population databases (gnomAD no frequency). This variant has not been reported in the literature in individuals affected with MICAL1-related conditions. An algorithm developed to predict the effect of missense changes on protein structure and function (PolyPhen-2) suggests that this variant is likely to be disruptive. In summary, the available evidence is currently insufficient to determine the role of this variant in disease. Therefore, it has been classified as a Variant of Uncertain Significance.